The following is an entry in ClinVar:

NM_003999.3(OSMR):c.2081C>T (p.Pro694Leu)

Gene: OSMR (oncostatin M receptor; plus strand). Cytogenetic location: 5p13.1.
Variant type: single nucleotide variant.
Coding change: c.2081C>T on transcript NM_003999.3 (MANE Select); coding-DNA position 2081, C replaced by T.
Protein change: p.Pro694Leu; replaces proline 694 with leucine.
Molecular consequence: missense variant.
Genome position (GRCh38, 1-based): chr5:38,925,240, C>T. VCF-style: chr5-38925240-C-T. GRCh37 (hg19) VCF-style: chr5-38925342-C-T.
Other names: c.2081C>T, p.Pro694Leu (NM_001323505.2); c.2084C>T, p.Pro695Leu (NM_001323506.2); short protein forms P694L, P695L.
Identifiers: ClinVar variation 30221 (VCV000030221.9), dbSNP rs387906822, ClinGen allele CA129036.
Genomic context (GRCh38, chr5:38,925,240, plus strand): 5'-AAAAAACCATTTAAAAAATCACAGATGGTTCAGAATGTTGCAAATACAAAATTGACAACC[C>T]GGAAGAAAAGGCATTGATTGTGGACAACCTAAAGCCAGAATCCTTCTATGAGTTTTTCAT-3'
Protein context (NP_003990.1, residues 684-704): SECCKYKIDN[Pro694Leu]EEKALIVDNL

ClinVar aggregate classification (germline): Pathogenic/Likely pathogenic. Review status: criteria provided, multiple submitters, no conflicts (2 of 4 stars). 5 submissions from 5 submitters: Pathogenic (1); Likely pathogenic (3). 1 of the submissions does not count toward it. Last evaluated 2025-05-20.

Conditions:
Amyloidosis, primary localized cutaneous, 1. Also called: AMYLOIDOSIS, PRIMARY CUTANEOUS, 1; AMYLOIDOSIS IX; Lichen amyloidosis familial; Amyloidosis 9. Identifiers: Orphanet 353220, MedGen C4551501, MONDO:0024522, OMIM 105250.

Allele frequency attached by ClinVar (database versions not stated): ExAC 0.00002; gnomAD exomes 0.00003; TOPMed 0.00002; gnomAD 0.00003.
gnomAD v4.1: 12 of 1,613,820 alleles (0.00074%); highest among the groups gnomAD compares: Admixed American, 0.0033%; no homozygotes.

Submissions (5):

GeneDx
Classification: Likely pathogenic. Last evaluated: 2025-05-20. Review status: criteria provided, single submitter. Criteria: GeneDx Variant Classification Process June 2021. Collection method: clinical testing. Allele origin: germline. Affected: yes.
Comment: Reported previously in the heterozygous state, in multiple individuals with familial and sporadic primary cutaneous amyloidosis referred for genetic testing at GeneDx and in published literature (PMID: 23692662, 19690585); Segregates with autosomal dominant familial primary cutaneous amyloidosis in many affected individuals from several families in published literature (PMID: 19690585, 30740762, 19663869); In silico analysis supports that this missense variant has a deleterious effect on protein structure/function; This variant is associated with the following publications: (PMID: 23742287, 19663869, 19690585, 30740762, 23692662, 29419851, 33502684, 30734345)

Revvity Omics, Revvity
Classification: Likely pathogenic for Amyloidosis, primary localized cutaneous, 1. Last evaluated: 2025-02-26. Review status: criteria provided, single submitter. Criteria: ACMG Guidelines, 2015. Collection method: clinical testing. Allele origin: germline.

Labcorp Genetics (formerly Invitae), Labcorp
Classification: Pathogenic. Last evaluated: 2025-01-27. Review status: criteria provided, single submitter. Criteria: Invitae Variant Classification Sherloc (09022015). Collection method: clinical testing. Allele origin: germline.
Comment: This sequence change replaces proline, which is neutral and non-polar, with leucine, which is neutral and non-polar, at codon 694 of the OSMR protein (p.Pro694Leu). This variant is present in population databases (rs387906822, gnomAD 0.02%). This missense change has been observed in individual(s) with primary localized cutaneous amyloidosis (PMID: 19690585). It has also been observed to segregate with disease in related individuals. ClinVar contains an entry for this variant (Variation ID: 30221). Invitae Evidence Modeling of protein sequence and biophysical properties (such as structural, functional, and spatial information, amino acid conservation, physicochemical variation, residue mobility, and thermodynamic stability) indicates that this missense variant is expected to disrupt OSMR protein function with a positive predictive value of 80%. For these reasons, this variant has been classified as Pathogenic.

Juno Genomics, Hangzhou Juno Genomics, Inc
Classification: Likely pathogenic for Amyloidosis, primary localized cutaneous, 1. Review status: criteria provided, single submitter. Criteria: ACMG Guidelines, 2015. Collection method: clinical testing. Allele origin: germline.
Comment: Absent from controls (or at extremely low frequency if recessive) in Genome Aggregation Database.;The prevalence of the variant in affected individuals is significantly increased compared to the prevalence in controls.;Co-segregation with disease in multiple affected family members.;Patient's phenotype or family history is highly specific for a disease with a single genetic etiology.

OMIM
Classification: Pathogenic for AMYLOIDOSIS, PRIMARY LOCALIZED CUTANEOUS, 1. Last evaluated: 2010-01-01. Review status: no assertion criteria provided. Collection method: literature only. Allele origin: germline. Not counted in ClinVar's aggregate classification.

Literature cited by the submitters: PubMed 19690585 (cited by Labcorp Genetics (formerly Invitae), Labcorp and OMIM).